The following is an entry in ClinVar:

NM_001387283.1(SMARCA4):c.4223T>C (p.Leu1408Pro)

Gene: SMARCA4 (SWI/SNF related BAF chromatin remodeling complex subunit ATPase 4; plus strand). Cytogenetic location: 19p13.2.
Variant type: single nucleotide variant.
Coding change: c.4223T>C on transcript NM_001387283.1 (MANE Plus Clinical); coding-DNA position 4223, T replaced by C.
Protein change: p.Leu1408Pro; replaces leucine 1408 with proline.
Molecular consequence: missense variant. On other transcripts: intron variant (7).
Genome position (GRCh38, 1-based): chr19:11,039,510, T>C. VCF-style: chr19-11039510-T-C. GRCh37 (hg19) VCF-style: chr19-11150186-T-C.
Other names: c.4223T>C, p.Leu1408Pro (NM_001128849.3); c.4171-1797T>C (NM_001128844.3, NM_003072.5); c.4072-1797T>C (NM_001128847.4, NM_001374457.1, NM_001128848.2); c.4072-1788T>C (NM_001128845.2, NM_001128846.2); short protein forms L1408P.
Identifiers: ClinVar variation 1419942 (VCV001419942.9), dbSNP rs2146776508, ClinGen allele CA404071563.

ClinVar aggregate classification (germline): Conflicting classifications of pathogenicity. Review status: criteria provided, conflicting classifications (1 of 4 stars). 2 submissions from 2 submitters: Uncertain significance (1); Likely benign (1). Last evaluated 2025-08-07.

Conditions:
Rhabdoid tumor predisposition syndrome 2 (RTPS2). Identifiers: Orphanet 231108, Orphanet 69077, MedGen C2750074, MONDO:0013224, OMIM 613325.
Hereditary cancer-predisposing syndrome. Also called: Neoplastic Syndromes, Hereditary; Hereditary Cancer Syndrome; Hereditary neoplastic syndrome; Tumor predisposition. Identifiers: Orphanet 140162, MedGen C0027672, MeSH D009386, MONDO:0015356.

Allele frequency attached by ClinVar (database versions not stated): gnomAD exomes below 0.00001.
gnomAD v4.1: 2 of 1,601,104 alleles (0.00012%); highest among the groups gnomAD compares: Middle Eastern, 0.017%; no homozygotes.

Submissions (2):

Labcorp Genetics (formerly Invitae), Labcorp
Classification: Uncertain significance for Rhabdoid tumor predisposition syndrome 2. Last evaluated: 2025-08-07. Review status: criteria provided, single submitter. Criteria: Invitae Variant Classification Sherloc (09022015). Collection method: clinical testing. Allele origin: germline.
Comment: This sequence change replaces leucine, which is neutral and non-polar, with proline, which is neutral and non-polar, at codon 1408 of the SMARCA4 protein (p.Leu1408Pro). This variant is not present in population databases (gnomAD no frequency). This variant has not been reported in the literature in individuals affected with SMARCA4-related conditions. ClinVar contains an entry for this variant (Variation ID: 1419942). An algorithm developed to predict the effect of missense changes on protein structure and function (PolyPhen-2) suggests that this variant is likely to be tolerated. In summary, the available evidence is currently insufficient to determine the role of this variant in disease. Therefore, it has been classified as a Variant of Uncertain Significance.

Ambry Genetics
Classification: Likely benign for Hereditary cancer-predisposing syndrome. Last evaluated: 2024-11-22. Review status: criteria provided, single submitter. Criteria: Ambry Variant Classification Scheme 2023. Collection method: clinical testing. Allele origin: germline.